The following is an entry in ClinVar:

ClinVar aggregate classification (germline): Pathogenic (1 of 4 stars; one submission).

Conditions:
Congenital myasthenic syndrome 4A. Also called: MYASTHENIC SYNDROME, CONGENITAL, 4A, SLOW-CHANNEL, AUTOSOMAL RECESSIVE; Myasthenic syndrome, congenital, 4a, slow-channel; CONGENITAL MYASTHENIC SYNDROME TYPE Ia1. Identifiers: Orphanet 590, MedGen C4225413, MONDO:0011600, OMIM 605809.

Submission:

Labcorp Genetics (formerly Invitae), Labcorp
Classification: Pathogenic for Congenital myasthenic syndrome 4A. Last evaluated: 2019-12-13. Review status: criteria provided, single submitter. Criteria: Invitae Variant Classification Sherloc (09022015). Collection method: clinical testing. Allele origin: germline.
Comment: This sequence change creates a premature translational stop signal (p.Gly203Argfs*22) in the CHRNE gene. It is expected to result in an absent or disrupted protein product. This variant is not present in population databases (ExAC no frequency). This variant has not been reported in the literature in individuals with CHRNE-related conditions. Loss-of-function variants in CHRNE are known to be pathogenic (PMID: 22678886). For these reasons, this variant has been classified as Pathogenic.

Literature cited by the submitters: PubMed 22678886.

NM_000080.4(CHRNE):c.606_619del (p.Gly203fs)

Genes: C17orf107 (chromosome 17 open reading frame 107; plus strand), CHRNE (cholinergic receptor nicotinic epsilon subunit; minus strand). Cytogenetic location: 17p13.2.
Variant type: Deletion.
Coding change: c.606_619del on transcript NM_000080.4 (MANE Select); coding-DNA positions 606 to 619, 14 bases deleted (CGGCGAGTGGGCCA).
Protein change: p.Gly203fs; shifts the reading frame from glycine 203.
Molecular consequence: frameshift variant. On other transcripts: 3 prime UTR variant (1).
Genome position (GRCh38, 1-based): chr17:4,901,173-4,901,186, TGGCCCACTCGCCG deleted on the plus strand (CGGCGAGTGGGCCA on the coding strand, the reverse complement: CHRNE is on the minus strand); deleting any 14 consecutive bases within chr17:4,901,173-4,901,187 gives the same sequence; the c. name uses the placement nearest the transcript's 3' end. VCF-style (leftmost placement, unchanged base first): chr17-4901172-ATGGCCCACTCGCCG-A. GRCh37 (hg19) VCF-style: chr17-4804467-ATGGCCCACTCGCCG-A.
Other names: c.*641_*654del (NM_001145536.2); short protein forms G203fs.
Identifiers: ClinVar variation 863458 (VCV000863458.8), dbSNP rs1969973509, ClinGen allele CA916083522.
Genomic context (GRCh38, chr17:4,901,172, plus strand): 5'-TCCCCTGGGCCGTCGGTGGCGCCACCGTGGTGGCGGCGGATCACCCCCGGGCAGAAGTCG[ATGGCCCACTCGCCG>A]TTCTCTGCGGGACGGGGGCACGGTCAGCTGGCTGTCAGAGCGGGGCGCCCGCCGAGCTGA-3'